The following is an entry in ClinVar:

ClinVar aggregate classification (germline): Uncertain significance (1 of 4 stars; one submission).

gnomAD v4.1: 4 of 1,614,022 alleles (0.00025%); highest among the groups gnomAD compares: Non-Finnish European, 0.00034%; no homozygotes.

Submission:

GeneDx
Classification: Uncertain significance. Last evaluated: 2025-07-29. Review status: criteria provided, single submitter. Criteria: GeneDx Variant Classification Process June 2021. Collection method: clinical testing. Allele origin: germline. Affected: yes.
Comment: Not observed at significant frequency in large population cohorts (gnomAD); In silico analysis supports that this missense variant has a deleterious effect on protein structure/function; Has not been previously published as pathogenic or benign to our knowledge

NM_001024845.3(SLC6A9):c.800C>A (p.Ala267Asp)

Gene: SLC6A9 (solute carrier family 6 member 9; minus strand). Cytogenetic location: 1p34.1.
Variant type: single nucleotide variant.
Coding change: c.800C>A on transcript NM_001024845.3 (MANE Select); coding-DNA position 800, C replaced by A.
Protein change: p.Ala267Asp; replaces alanine 267 with aspartic acid.
Molecular consequence: missense variant. On other transcripts: non-coding transcript variant (1).
Genome position (GRCh38, 1-based): chr1:44,002,570, G>T on the plus strand (C>A on the coding strand, the complement: SLC6A9 is on the minus strand). VCF-style: chr1-44002570-G-T. GRCh37 (hg19) VCF-style: chr1-44468242-G-T.
Other names: c.812C>A, p.Ala271Asp (NM_001261380.2); c.467C>A, p.Ala156Asp (NM_001328626.2, NM_001328630.2); c.737C>A, p.Ala246Asp (NM_001328627.1); c.605C>A, p.Ala202Asp (NM_001328628.1); c.800C>A, p.Ala267Asp (NM_001328629.1); c.857C>A, p.Ala286Asp (NM_006934.4); c.1019C>A, p.Ala340Asp (NM_201649.4); short protein forms A156D, A202D, A246D, A267D, A271D, A286D, A340D.
Identifiers: ClinVar variation 3372196 (VCV003372196.2).
Genomic context (GRCh38, chr1:44,002,570, plus strand): 5'-ACCTTGGCCTCCAGGATCTTGTCCCACTGCGGGGTTAGGTAGTACATGATGCCGTCAAAG[G>T]CTCCCTCCAGGGTCACTCCGCGGACAAACAGAATGGTCAGCACCACGTAGGGGAACGTGG-3'
Protein context (NP_001020016.1, residues 257-277): LFVRGVTLEG[Ala267Asp]FDGIMYYLTP